The following is an entry in ClinVar:

NM_005051.3(QARS1):c.704-5G>T

Gene: QARS1 (glutaminyl-tRNA synthetase 1; minus strand). Cytogenetic location: 3p21.31.
Variant type: single nucleotide variant.
Coding change: c.704-5G>T on transcript NM_005051.3 (MANE Select); 5 bases into the intron before coding-DNA position 704, G replaced by T.
Molecular consequence: intron variant.
Genome position (GRCh38, 1-based): chr3:49,101,710, C>A on the plus strand (G>T on the coding strand, the complement: QARS1 is on the minus strand). VCF-style: chr3-49101710-C-A. GRCh37 (hg19) VCF-style: chr3-49139143-C-A.
Other names: c.671-5G>T (NM_001272073.2).
Identifiers: ClinVar variation 384015 (VCV000384015.13), dbSNP rs775662720, ClinGen allele CA2392039.

ClinVar aggregate classification (germline): Likely benign. Review status: criteria provided, multiple submitters, no conflicts (2 of 4 stars). 4 submissions from 4 submitters: Likely benign (3). 1 of the submissions does not count toward it. Last evaluated 2025-09-24.

Conditions:
QARS1-related disorder. Also called: QARS1-related condition.
Diffuse cerebral and cerebellar atrophy - intractable seizures - progressive microcephaly syndrome. Also called: Microcephaly, progressive, with seizures and cerebral and cerebellar atrophy. Identifiers: Orphanet 404437, MedGen C4014239, MONDO:0014335, OMIM 615760.

Allele frequency attached by ClinVar (database versions not stated): gnomAD exomes below 0.00001 and 0.00001; gnomAD 0.00001 and 0.00003; TOPMed 0.00001; ExAC 0.00002.
gnomAD v4.1: 22 of 1,613,974 alleles (0.0014%); highest among the groups gnomAD compares: Admixed American, 0.0067%; no homozygotes.

Submissions (4):

Labcorp Genetics (formerly Invitae), Labcorp
Classification: Likely benign for Diffuse cerebral and cerebellar atrophy - intractable seizures - progressive microcephaly syndrome. Last evaluated: 2025-09-24. Review status: criteria provided, single submitter. Criteria: Invitae Variant Classification Sherloc (09022015). Collection method: clinical testing. Allele origin: germline.

Blueprint Genetics
Classification: Likely benign. Last evaluated: 2024-10-23. Review status: criteria provided, single submitter. Criteria: ACMG Guidelines, 2015. Collection method: clinical testing. Allele origin: germline.

GeneDx
Classification: Likely benign. Last evaluated: 2018-07-16. Review status: criteria provided, single submitter. Criteria: GeneDx Variant Classification Process June 2021. Collection method: clinical testing. Allele origin: germline. Affected: yes.

PreventionGenetics, part of Exact Sciences
Classification: Likely benign for QARS1-related condition. Last evaluated: 2019-03-27. Review status: no assertion criteria provided. Collection method: clinical testing. Allele origin: germline. Not counted in ClinVar's aggregate classification.
Comment: This variant is classified as likely benign based on ACMG/AMP sequence variant interpretation guidelines (Richards et al. 2015 PMID: 25741868, with internal and published modifications).